The following is an entry in ClinVar:

ClinVar aggregate classification (germline): Pathogenic (1 of 4 stars; one submission).

Conditions:
Neurofibromatosis, type 1 (NF1). Also called: VON RECKLINGHAUSEN DISEASE; NEUROFIBROMATOSIS, TYPE I, SOMATIC; Neurofibromatosis, type I; Peripheral type neurofibromatosis. Identifiers: Orphanet 636, MedGen C0027831, MONDO:0018975, OMIM 162200. Disease mechanism: loss of function.

Submission:

Labcorp Genetics (formerly Invitae), Labcorp
Classification: Pathogenic for Neurofibromatosis, type 1. Last evaluated: 2024-09-09. Review status: criteria provided, single submitter. Criteria: Invitae Variant Classification Sherloc (09022015). Collection method: clinical testing. Allele origin: germline.
Comment: This sequence change affects an acceptor splice site in intron 29 of the NF1 gene. It is expected to disrupt RNA splicing. Variants that disrupt the donor or acceptor splice site typically lead to a loss of protein function (PMID: 16199547), and loss-of-function variants in NF1 are known to be pathogenic (PMID: 10712197, 23913538). This variant is not present in population databases (gnomAD no frequency). Disruption of this splice site has been observed in individual(s) with clinical features of neurofibromatosis type I (PMID: 31776437; internal data). Algorithms developed to predict the effect of sequence changes on RNA splicing suggest that this variant may disrupt the consensus splice site. For these reasons, this variant has been classified as Pathogenic.

Literature cited by the submitters: PubMed 16199547; PubMed 10712197; PubMed 23913538; PubMed 31776437.

NM_001042492.3(NF1):c.3975-1G>C

Gene: NF1 (neurofibromin 1; plus strand). Cytogenetic location: 17q11.2.
Variant type: single nucleotide variant.
Coding change: c.3975-1G>C on transcript NM_001042492.3 (MANE Select); the canonical splice acceptor site of the intron before coding-DNA position 3975, G replaced by C.
Molecular consequence: splice acceptor variant.
Genome position (GRCh38, 1-based): chr17:31,248,983, G>C. VCF-style: chr17-31248983-G-C. GRCh37 (hg19) VCF-style: chr17-29576001-G-C.
Other names: c.3975-1G>C (NM_000267.4).
Identifiers: ClinVar variation 3677157 (VCV003677157.2).